The following is an entry in ClinVar:

NM_001042492.3(NF1):c.7442del (p.Gly2481fs)

Gene: NF1 (neurofibromin 1; plus strand). Cytogenetic location: 17q11.2.
Variant type: Deletion.
Coding change: c.7442del on transcript NM_001042492.3 (MANE Select); coding-DNA position 7442, one base deleted (G; older notation c.7442delG).
Protein change: p.Gly2481fs; shifts the reading frame from glycine 2481.
Molecular consequence: frameshift variant.
Genome position (GRCh38, 1-based): chr17:31,350,303, G deleted; the last of 2 consecutive G bases (chr17:31,350,302-31,350,303); deleting either gives the same sequence. VCF-style (leftmost placement, unchanged base first): chr17-31350301-TG-T. GRCh37 (hg19) VCF-style: chr17-29677319-TG-T.
Other names: c.7379delG, p.Gly2460Valfs (NM_000267.4); c.7379delG (NM_000267.3); short protein forms G2460fs, G2481fs.
Identifiers: ClinVar variation 1071255 (VCV001071255.6), dbSNP rs2151574635, ClinGen allele CA2499224226.

ClinVar aggregate classification (germline): Pathogenic. Review status: criteria provided, multiple submitters, no conflicts (2 of 4 stars). 2 submissions from 2 submitters: Pathogenic (2). Last evaluated 2024-02-21.

Conditions:
Hereditary cancer-predisposing syndrome. Also called: Tumor predisposition; Neoplastic Syndromes, Hereditary; Hereditary neoplastic syndrome; Hereditary Cancer Syndrome. Identifiers: Orphanet 140162, MedGen C0027672, MeSH D009386, MONDO:0015356.
Cardiovascular phenotype. Identifiers: MedGen CN230736.
Neurofibromatosis, type 1 (NF1). Also called: VON RECKLINGHAUSEN DISEASE; Peripheral type neurofibromatosis; NEUROFIBROMATOSIS, TYPE I, SOMATIC; Neurofibromatosis, type I. Identifiers: Orphanet 636, MedGen C0027831, MONDO:0018975, OMIM 162200. Disease mechanism: loss of function.

Submissions (2):

Ambry Genetics
Classification: Pathogenic for Cardiovascular phenotype; Hereditary cancer-predisposing syndrome. Last evaluated: 2024-02-21. Review status: criteria provided, single submitter. Criteria: Ambry Variant Classification Scheme 2023. Collection method: clinical testing. Allele origin: germline.
Comment: The c.7379delG pathogenic mutation, located in coding exon 49 of the NF1 gene, results from a deletion of one nucleotide at nucleotide position 7379, causing a translational frameshift with a predicted alternate stop codon (p.G2460Vfs*8). This alteration has been reported in an individual with a pheochromocytoma and a clinical diagnosis of neurofibromatosis type 1 (NF1) (Moramarco J et al. Clin Endocrinol (Oxf), 2017 Mar;86:332-339). This variant is considered to be rare based on population cohorts in the Genome Aggregation Database (gnomAD). This alteration is expected to result in loss of function by premature protein truncation or nonsense-mediated mRNA decay. As such, this alteration is interpreted as a disease-causing mutation. This alteration has been reported in an individual with a pheochromocytoma and a clinical diagnosis of neurofibromatosis type 1 (NF1) (Moramarco J et al. Clin Endocrinol (Oxf), 2017 Mar;86:332-339).

Labcorp Genetics (formerly Invitae), Labcorp
Classification: Pathogenic for Neurofibromatosis, type 1. Last evaluated: 2020-07-07. Review status: criteria provided, single submitter. Criteria: Invitae Variant Classification Sherloc (09022015). Collection method: clinical testing. Allele origin: germline.
Comment: This sequence change creates a premature translational stop signal (p.Gly2460Valfs*8) in the NF1 gene. It is expected to result in an absent or disrupted protein product. This variant is not present in population databases (ExAC no frequency). This variant has not been reported in the literature in individuals with NF1-related conditions. Algorithms developed to predict the effect of sequence changes on RNA splicing suggest that this variant may create or strengthen a splice site, but this prediction has not been confirmed by published transcriptional studies. Loss-of-function variants in NF1 are known to be pathogenic (PMID: 10712197, 23913538). For these reasons, this variant has been classified as Pathogenic.

Literature cited by the submitters: PubMed 10712197 (cited by Labcorp Genetics (formerly Invitae), Labcorp); PubMed 23913538 (cited by Labcorp Genetics (formerly Invitae), Labcorp).